The following is an entry in ClinVar:

NM_002055.5(GFAP):c.1125C>G (p.Asn375Lys)

Genes: GFAP (glial fibrillary acidic protein; minus strand), LOC130060994 (ATAC-STARR-seq lymphoblastoid active region 12266; plus strand). Cytogenetic location: 17q21.31.
Variant type: single nucleotide variant.
Coding change: c.1125C>G on transcript NM_002055.5 (MANE Select); coding-DNA position 1125, C replaced by G.
Protein change: p.Asn375Lys; replaces asparagine 375 with lysine.
Molecular consequence: missense variant.
Genome position (GRCh38, 1-based): chr17:44,911,238, G>C on the plus strand (C>G on the coding strand, the complement: GFAP is on the minus strand). VCF-style: chr17-44911238-G-C. GRCh37 (hg19) VCF-style: chr17-42988606-G-C.
Other names: c.1125C>G, p.Asn375Lys (NM_001131019.3, NM_001242376.3, NM_001363846.2); short protein forms N375K.
Identifiers: ClinVar variation 590968 (VCV000590968.3), dbSNP rs1567773470, ClinGen allele CA399843303.
Genomic context (GRCh38, chr17:44,911,238, plus strand): 5'-ATGAGCTCTACCGTGAGGCAGCAGGGAGACTTCCCCAGGGGCTGTGATGAGGGCTCACCG[G>C]TTCTCCTCGCCCTCTAGCAGCTTCCTGTAGGTGGCGATCTCGATGTCCAGGGCCAGCTTG-3'
Protein context (NP_002046.1, residues 365-385): TYRKLLEGEE[Asn375Lys]RITIPVQTFS

ClinVar aggregate classification (germline): Likely pathogenic (1 of 4 stars; one submission).

Conditions:
Alexander disease (ALXDRD). Also called: Alexander's disease. Identifiers: Orphanet 58, MedGen C0270726, MONDO:0008752, OMIM 203450.

Submission:

Consultorio y Laboratorio de Neurogenética, Hospital JM Ramos Mejia
Classification: Likely pathogenic for Alexander disease. Last evaluated: 2018-10-29. Review status: criteria provided, single submitter. Criteria: Submitter's publication. Collection method: research. Allele origin: de novo. Inheritance: Sporadic. Affected: yes.
Comment: The variant NM_001242376.1:c.1125C>G in the GFAP gene has not been previously reported in public databases. We consider that this variant is probably pathogenic because it is found in a coding and critical region for the correct expression of this gene; besides that other variants have been reported in nearby regions of the gene in patients with AxD with functional consequences validated as causative of this disease (Li et al., 2018; Karp et al., 2018).